The following is an entry in ClinVar:

ClinVar aggregate classification (germline): Uncertain significance (1 of 4 stars; one submission).

Conditions:
Inborn genetic diseases. Identifiers: MedGen C0950123, MeSH D030342.

gnomAD v4.1: 1 of 1,614,066 alleles (0.000062%); highest among the groups gnomAD compares: Non-Finnish European, 0.000085%; no homozygotes.

Submission:

Ambry Genetics
Classification: Uncertain significance for Inborn genetic diseases. Last evaluated: 2026-05-14. Review status: criteria provided, single submitter. Criteria: Ambry Variant Classification Scheme 2023. Collection method: clinical testing. Allele origin: germline.
Comment: The p.V120I variant (also known as c.358G>A), located in coding exon 4 of the DDX41 gene, results from a G to A substitution at nucleotide position 358. The valine at codon 120 is replaced by isoleucine, an amino acid with highly similar properties. This amino acid position is conserved. In addition, this alteration is predicted to be tolerated by in silico analysis. Based on the available evidence, the clinical significance of this variant remains unclear.

NM_016222.4(DDX41):c.358G>A (p.Val120Ile)

Gene: DDX41 (DEAD-box helicase 41; minus strand). Cytogenetic location: 5q35.3.
Variant type: single nucleotide variant.
Coding change: c.358G>A on transcript NM_016222.4 (MANE Select); coding-DNA position 358, G replaced by A.
Protein change: p.Val120Ile; replaces valine 120 with isoleucine.
Molecular consequence: missense variant. On other transcripts: 5 prime UTR variant (2).
Genome position (GRCh38, 1-based): chr5:177,516,134, C>T on the plus strand (G>A on the coding strand, the complement: DDX41 is on the minus strand). VCF-style: chr5-177516134-C-T. GRCh37 (hg19) VCF-style: chr5-176943135-C-T.
Other names: c.-21G>A (NM_001321732.2, NM_001321830.2); short protein forms V120I.
Identifiers: ClinVar variation 4869671 (VCV004869671.1).